The following is an entry in ClinVar:

ClinVar aggregate classification (germline): Uncertain significance. Review status: criteria provided, multiple submitters, no conflicts (2 of 4 stars). 2 submissions from 2 submitters: Uncertain significance (2). Last evaluated 2024-11-21.

Conditions:
Inborn genetic diseases. Identifiers: MedGen C0950123, MeSH D030342.

Allele frequency attached by ClinVar (database versions not stated): gnomAD 0.00001 and 0.00003; gnomAD exomes 0.00001; TOPMed 0.00003.
gnomAD v4.1: 16 of 1,098,815 alleles (0.0015%); highest among the groups gnomAD compares: Non-Finnish European, 0.0019%; no homozygotes.

Submissions (2):

Ambry Genetics
Classification: Uncertain significance for Inborn genetic diseases. Last evaluated: 2024-11-21. Review status: criteria provided, single submitter. Criteria: Ambry Variant Classification Scheme 2023. Collection method: clinical testing. Allele origin: germline.

Labcorp Genetics (formerly Invitae), Labcorp
Classification: Uncertain significance. Last evaluated: 2024-05-26. Review status: criteria provided, single submitter. Criteria: Invitae Variant Classification Sherloc (09022015). Collection method: clinical testing. Allele origin: germline.
Comment: This sequence change replaces isoleucine, which is neutral and non-polar, with valine, which is neutral and non-polar, at codon 193 of the PLS3 protein (p.Ile193Val). This variant is present in population databases (no rsID available, gnomAD 0.009%). This variant has not been reported in the literature in individuals affected with PLS3-related conditions. ClinVar contains an entry for this variant (Variation ID: 1429621). Advanced modeling of protein sequence and biophysical properties (such as structural, functional, and spatial information, amino acid conservation, physicochemical variation, residue mobility, and thermodynamic stability) performed at Invitae indicates that this missense variant is not expected to disrupt PLS3 protein function with a negative predictive value of 80%. In summary, the available evidence is currently insufficient to determine the role of this variant in disease. Therefore, it has been classified as a Variant of Uncertain Significance.

NM_005032.7(PLS3):c.577A>G (p.Ile193Val)

Gene: PLS3 (plastin 3; plus strand). Cytogenetic location: Xq23.
Variant type: single nucleotide variant.
Coding change: c.577A>G on transcript NM_005032.7 (MANE Select); coding-DNA position 577, A replaced by G.
Protein change: p.Ile193Val; replaces isoleucine 193 with valine.
Molecular consequence: missense variant.
Genome position (GRCh38, 1-based): chrX:115,634,076, A>G. VCF-style: chrX-115634076-A-G. GRCh37 (hg19) VCF-style: chrX-114868388-A-G.
Other names: c.577A>G (NM_005032.5); c.577A>G, p.Ile193Val (NM_001136025.5); c.496A>G, p.Ile166Val (NM_001172335.3); c.511A>G, p.Ile171Val (NM_001282337.2); c.442A>G, p.Ile148Val (NM_001282338.2); short protein forms I148V, I171V, I193V, I166V.
Identifiers: ClinVar variation 1429621 (VCV001429621.9), dbSNP rs1342960992, ClinGen allele CA414333835.
Genomic context (GRCh38, chrX:115,634,076, plus strand): 5'-TCAGTTCCTGATACCATTGATGAAAGAGCAATCAACAAGAAGAAACTTACACCCTTCATC[A>G]TTCAGGTATGCATTGTTCTCCCCTCCCTTTAACATGAAATTACTGTTTGAGGACCTGTTC-3'
Protein context (NP_005023.2, residues 183-203): INKKKLTPFI[Ile193Val]QENLNLALNS